The following is an entry in ClinVar:

ClinVar aggregate classification (germline): Likely benign. Review status: criteria provided, multiple submitters, no conflicts (2 of 4 stars). 2 submissions from 2 submitters: Likely benign (2). Last evaluated 2024-02-22.

Conditions:
Malignant hyperthermia, susceptibility to, 1 (MHS1). Also called: Anesthesia related hyperthermia; Malignant hyperpyrexia; Fulminating hyperpyrexia; Pharmacogenic myopathy; RYR1-Related Malignant Hyperthermia Susceptibility; Malignant hyperthermia suceptibility 1. Identifiers: Orphanet 423, MedGen C2930980, MONDO:0007783, OMIM 145600.
RYR1-related disorder. Also called: RYR1-related condition; RYR1-related disorders. Identifiers: MedGen CN239331.

Allele frequency attached by ClinVar (database versions not stated): gnomAD exomes 0.00001.
gnomAD v4.1: 3 of 1,545,044 alleles (0.00019%); highest among the groups gnomAD compares: Non-Finnish European, 0.00026%; no homozygotes.

Submissions (2):

Labcorp Genetics (formerly Invitae), Labcorp
Classification: Likely benign for RYR1-related disorder. Last evaluated: 2024-02-22. Review status: criteria provided, single submitter. Criteria: Invitae Variant Classification Sherloc (09022015). Collection method: clinical testing. Allele origin: germline.

All of Us Research Program, National Institutes of Health
Classification: Likely benign for Malignant hyperthermia, susceptibility to, 1. Last evaluated: 2023-06-08. Review status: criteria provided, single submitter. Criteria: ACMG Guidelines, 2015. Collection method: clinical testing. Allele origin: germline. Inheritance: Autosomal dominant inheritance. Observed: 1 variant allele, 1 heterozygote.
Comment: This study involves interpretation of variants in research participants for the purpose of population health screening. Participant phenotype was not available at the time of variant classification. Additional details can be found in publication PMID: 35346344, PMCID: PMC8962531

NM_000540.3(RYR1):c.4932C>T (p.Asn1644=)

Gene: RYR1 (ryanodine receptor 1; plus strand). Cytogenetic location: 19q13.2.
Variant type: single nucleotide variant.
Coding change: c.4932C>T on transcript NM_000540.3 (MANE Select); coding-DNA position 4932, C replaced by T.
Protein change: p.Asn1644=; no amino-acid change (asparagine 1644 retained).
Molecular consequence: synonymous variant.
Genome position (GRCh38, 1-based): chr19:38,483,514, C>T. VCF-style: chr19-38483514-C-T. GRCh37 (hg19) VCF-style: chr19-38974154-C-T.
Other names: c.4932C>T, p.Asn1644= (NM_001042723.2).
Identifiers: ClinVar variation 3071463 (VCV003071463.3), dbSNP rs2514215417, ClinGen allele CA507353011.